The following is an entry in ClinVar:

ClinVar aggregate classification (germline): Pathogenic (1 of 4 stars; one submission).

Conditions:
Cerebral cavernous malformation 2. Also called: Familial Cerebral Cavernous Malformation 2. Identifiers: Orphanet 221061, MedGen C1864041, MONDO:0011304, OMIM 603284.

Submission:

Labcorp Genetics (formerly Invitae), Labcorp
Classification: Pathogenic for Cerebral cavernous malformation 2. Last evaluated: 2023-11-03. Review status: criteria provided, single submitter. Criteria: Invitae Variant Classification Sherloc (09022015). Collection method: clinical testing. Allele origin: germline.
Comment: This variant is a gross deletion of the genomic region encompassing exon(s) 6 of the CCM2 gene. This deletion is out-of-frame, and is expected to create a premature termination codon and result in an absent or disrupted protein product. Loss-of-function variants in CCM2 are known to be pathogenic (PMID: 18300272, 24689081). A similar copy number variant has been observed in individual(s) with clinical features of cerebral cavernous malformations (PMID: 23595507). For these reasons, this variant has been classified as Pathogenic.

Literature cited by the submitters: PubMed 18300272; PubMed 24689081; PubMed 23595507.

NC_000007.13:g.(?_45109405)_(45109580_?)del

Gene: CCM2 (CCM2 scaffold protein; plus strand). Cytogenetic location: 7p13.
Variant type: Deletion.
Identifiers: ClinVar variation 1355285 (VCV001355285.7).